The following is an entry in ClinVar:

NM_001365999.1(SZT2):c.8039G>A (p.Arg2680His)

Gene: SZT2 (SZT2 subunit of KICSTOR complex; plus strand). Cytogenetic location: 1p34.2.
Variant type: single nucleotide variant.
Coding change: c.8039G>A on transcript NM_001365999.1 (MANE Select); coding-DNA position 8039, G replaced by A.
Protein change: p.Arg2680His; replaces arginine 2680 with histidine.
Molecular consequence: missense variant.
Genome position (GRCh38, 1-based): chr1:43,442,506, G>A. VCF-style: chr1-43442506-G-A. GRCh37 (hg19) VCF-style: chr1-43908177-G-A.
Other names: c.7868G>A, p.Arg2623His (NM_015284.4); short protein forms R2623H, R2680H.
Identifiers: ClinVar variation 436933 (VCV000436933.42), dbSNP rs144218947, ClinGen allele CA810435.

ClinVar aggregate classification (germline): Uncertain significance. Review status: criteria provided, multiple submitters, no conflicts (2 of 4 stars). 6 submissions from 6 submitters: Uncertain significance (6). Last evaluated 2025-11-05.

Conditions:
Developmental and epileptic encephalopathy, 18 (DEE18). Also called: Early infantile epileptic encephalopathy 18. Identifiers: Orphanet 369894, MedGen C3809624, MONDO:0014201, OMIM 615476.
Inborn genetic diseases. Identifiers: MedGen C0950123, MeSH D030342.

Allele frequency attached by ClinVar (database versions not stated): ExAC 0.00008; gnomAD exomes 0.00011; TOPMed 0.00011; gnomAD 0.00013; ESP Exome Variant Server 0.00015.
gnomAD v4.1: 313 of 1,614,016 alleles (0.019%); highest among the groups gnomAD compares: Non-Finnish European, 0.025%; no homozygotes.

Submissions (6):

GeneDx
Classification: Uncertain significance. Last evaluated: 2025-11-05. Review status: criteria provided, single submitter. Criteria: GeneDx Variant Classification Process June 2021. Collection method: clinical testing. Allele origin: germline. Affected: yes.
Comment: In silico analysis suggests that this missense variant does not alter protein structure/function; Has not been previously published as pathogenic or benign to our knowledge

CeGaT Center for Human Genetics Tuebingen
Classification: Uncertain significance. Last evaluated: 2023-07-01. Review status: criteria provided, single submitter. Criteria: CeGaT Center For Human Genetics Tuebingen Variant Classification Criteria Version 2. Collection method: clinical testing. Allele origin: germline. Affected: yes. Observed: 1 variant allele.
Comment: SZT2: PM2

Genome-Nilou Lab
Classification: Uncertain significance for Developmental and epileptic encephalopathy, 18. Last evaluated: 2023-04-11. Review status: criteria provided, single submitter. Criteria: ACMG Guidelines, 2015. Collection method: clinical testing. Allele origin: germline. Affected: no.

Labcorp Genetics (formerly Invitae), Labcorp
Classification: Uncertain significance. Last evaluated: 2022-09-12. Review status: criteria provided, single submitter. Criteria: Invitae Variant Classification Sherloc (09022015). Collection method: clinical testing. Allele origin: germline.
Comment: This sequence change replaces arginine, which is basic and polar, with histidine, which is basic and polar, at codon 2623 of the SZT2 protein (p.Arg2623His). This variant is present in population databases (rs144218947, gnomAD 0.02%). This variant has not been reported in the literature in individuals affected with SZT2-related conditions. ClinVar contains an entry for this variant (Variation ID: 436933). Advanced modeling of protein sequence and biophysical properties (such as structural, functional, and spatial information, amino acid conservation, physicochemical variation, residue mobility, and thermodynamic stability) has been performed at Invitae for this missense variant, however the output from this modeling did not meet the statistical confidence thresholds required to predict the impact of this variant on SZT2 protein function. In summary, the available evidence is currently insufficient to determine the role of this variant in disease. Therefore, it has been classified as a Variant of Uncertain Significance.

Ambry Genetics
Classification: Uncertain significance for Inborn genetic diseases. Last evaluated: 2021-09-01. Review status: criteria provided, single submitter. Criteria: Ambry Variant Classification Scheme 2023. Collection method: clinical testing. Allele origin: germline.

Genetic Services Laboratory, University of Chicago
Classification: Uncertain significance. Last evaluated: 2015-10-16. Review status: criteria provided, single submitter. Criteria: ACMG Guidelines, 2015. Collection method: clinical testing. Allele origin: germline. Affected: no.